The following is an entry in ClinVar:

NM_001261826.3(AP3D1):c.591C>T (p.Pro197=)

Gene: AP3D1 (adaptor related protein complex 3 subunit delta 1; minus strand). Cytogenetic location: 19p13.3.
Variant type: single nucleotide variant.
Coding change: c.591C>T on transcript NM_001261826.3 (MANE Select); coding-DNA position 591, C replaced by T.
Protein change: p.Pro197=; no amino-acid change (proline 197 retained).
Molecular consequence: synonymous variant.
Genome position (GRCh38, 1-based): chr19:2,130,409, G>A on the plus strand (C>T on the coding strand, the complement: AP3D1 is on the minus strand). VCF-style: chr19-2130409-G-A. GRCh37 (hg19) VCF-style: chr19-2130408-G-A.
Other names: p.Pro197=; c.591C>T, p.Pro197= (NM_001374799.1, NM_003938.8).
Identifiers: ClinVar variation 785600 (VCV000785600.16), dbSNP rs75824211, ClinGen allele CA9059669.

ClinVar aggregate classification (germline): Likely benign. Review status: criteria provided, multiple submitters, no conflicts (2 of 4 stars). 5 submissions from 5 submitters: Likely benign (4). 1 of the submissions does not count toward it. Last evaluated 2025-12-31.

Conditions:
AP3D1-related disorder. Also called: AP3D1-related condition.

Allele frequency attached by ClinVar (database versions not stated): ExAC 0.00060; gnomAD 0.00171 and 0.00180; TOPMed 0.00204; ESP Exome Variant Server 0.00206; 1000 Genomes Project 0.00220; 1000 Genomes Project 30x 0.00234.
gnomAD v4.1: 494 of 1,613,888 alleles (0.031%); highest among the groups gnomAD compares: African/African-American, 0.58%; 1 homozygote.

Submissions (5):

Labcorp Genetics (formerly Invitae), Labcorp
Classification: Likely benign. Last evaluated: 2025-12-31. Review status: criteria provided, single submitter. Criteria: Invitae Variant Classification Sherloc (09022015). Collection method: clinical testing. Allele origin: germline.

Blueprint Genetics
Classification: Likely benign. Last evaluated: 2024-07-05. Review status: criteria provided, single submitter. Criteria: ACMG Guidelines, 2015. Collection method: clinical testing. Allele origin: germline.

Mayo Clinic Laboratories, Mayo Clinic
Classification: Likely benign. Last evaluated: 2023-10-19. Review status: criteria provided, single submitter. Criteria: ACMG Guidelines, 2015. Collection method: clinical testing. Allele origin: germline. Observed: 7 variant alleles.
Comment: BP4, BP7

Breakthrough Genomics
Classification: Likely benign. Review status: criteria provided, single submitter. Criteria: ACMG Guidelines, 2015. Collection method: not provided. Allele origin: germline. Inheritance: Autosomal recessive inheritance. Affected: yes.

PreventionGenetics, part of Exact Sciences
Classification: Likely benign for AP3D1-related condition. Last evaluated: 2023-12-04. Review status: no assertion criteria provided. Collection method: clinical testing. Allele origin: germline. Not counted in ClinVar's aggregate classification.
Comment: This variant is classified as likely benign based on ACMG/AMP sequence variant interpretation guidelines (Richards et al. 2015 PMID: 25741868, with internal and published modifications).